The following is an entry in ClinVar:

NM_001367624.2(ZNF469):c.1932G>A (p.Thr644=)

Gene: ZNF469 (zinc finger protein 469; plus strand). Cytogenetic location: 16q24.2.
Variant type: single nucleotide variant.
Coding change: c.1932G>A on transcript NM_001367624.2 (MANE Select); coding-DNA position 1932, G replaced by A.
Protein change: p.Thr644=; no amino-acid change (threonine 644 retained).
Molecular consequence: synonymous variant.
Genome position (GRCh38, 1-based): chr16:88,429,402, G>A. VCF-style: chr16-88429402-G-A. GRCh37 (hg19) VCF-style: chr16-88495810-G-A.
Other names: NM_001127464.1:c.1932G>A; NM_001127464.2:c.1932G>A.
Identifiers: ClinVar variation 513974 (VCV000513974.7), dbSNP rs539996728, ClinGen allele CA286373209.

ClinVar aggregate classification (germline): Likely benign. Review status: criteria provided, multiple submitters, no conflicts (2 of 4 stars). 4 submissions from 4 submitters: Likely benign (4). Last evaluated 2026-07-20.

Conditions:
ZNF469-related disorder. Also called: ZNF469-related condition.
Cardiovascular phenotype. Identifiers: MedGen CN230736.

Allele frequency attached by ClinVar (database versions not stated): gnomAD exomes 0.00001; TOPMed 0.00003; gnomAD 0.00007.
gnomAD v4.1: 50 of 1,539,576 alleles (0.0032%); highest among the groups gnomAD compares: East Asian, 0.0049%; 1 homozygote.

Submissions (4):

PreventionGenetics, part of Exact Sciences
Classification: Likely benign for ZNF469-related condition. Last evaluated: 2026-07-20. Review status: criteria provided, single submitter. Criteria: ACMG Guidelines, 2015. Collection method: clinical testing. Allele origin: germline.
Comment: This variant is classified as likely benign based on ACMG/AMP sequence variant interpretation guidelines (Richards et al. 2015 PMID: 25741868, with internal and published modifications).

Labcorp Genetics (formerly Invitae), Labcorp
Classification: Likely benign. Last evaluated: 2025-08-06. Review status: criteria provided, single submitter. Criteria: Invitae Variant Classification Sherloc (09022015). Collection method: clinical testing. Allele origin: germline.

Ambry Genetics
Classification: Likely benign for Cardiovascular phenotype. Last evaluated: 2020-03-24. Review status: criteria provided, single submitter. Criteria: Ambry Variant Classification Scheme 2023. Collection method: clinical testing. Allele origin: germline.

GeneDx
Classification: Likely benign. Last evaluated: 2017-12-08. Review status: criteria provided, single submitter. Criteria: GeneDx Variant Classification (06012015). Collection method: clinical testing. Allele origin: germline. Affected: yes.
Comment: This variant is considered likely benign or benign based on one or more of the following criteria: it is a conservative change, it occurs at a poorly conserved position in the protein, it is predicted to be benign by multiple in silico algorithms, and/or has population frequency not consistent with disease.